The following is an entry in ClinVar:

NM_000500.9(CYP21A2):c.710T>A (p.Ile237Asn)

Genes: CYP21A2 (cytochrome P450 family 21 subfamily A member 2; plus strand), LOC106780800 (CYP21A2 recombination region; plus strand). Cytogenetic location: 6p21.33.
Variant type: single nucleotide variant.
Coding change: c.710T>A on transcript NM_000500.9 (MANE Select); coding-DNA position 710, T replaced by A.
Protein change: p.Ile237Asn; replaces isoleucine 237 with asparagine.
Molecular consequence: missense variant.
Genome position (GRCh38, 1-based): chr6:32,039,807, T>A. VCF-style: chr6-32039807-T-A. GRCh37 (hg19) VCF-style: chr6-32007584-T-A.
Other names: I236N; p.Ile237Asn (legacy p.Ile236Asn); dbSNP:rs1554299737; c.620T>A, p.Ile207Asn (NM_001128590.4); c.305T>A, p.Ile102Asn (NM_001368143.2, NM_001368144.2); c.710T>A (NM_000500.7); short protein forms I237N, I207N, I102N.
Identifiers: ClinVar variation 242761 (VCV000242761.10), dbSNP rs1554299737, ClinGen allele CA358444.

ClinVar aggregate classification (germline): Pathogenic/Likely pathogenic. Review status: criteria provided, multiple submitters, no conflicts (2 of 4 stars). 7 submissions from 7 submitters: Pathogenic (4); Likely pathogenic (3). Last evaluated 2026-07-18.

Conditions:
Congenital adrenal hyperplasia. Identifiers: Orphanet 418, MedGen C0001627, MONDO:0018479, HP:0008258.
21-Hydroxylase-Deficient Congenital Adrenal Hyperplasia. Also called: ADRENAL HYPERPLASIA, CONGENITAL, DUE TO 21-HYDROXYLASE DEFICIENCY; ADRENAL HYPERPLASIA III. Identifiers: MedGen C2936858, OMIM 201910.

Allele frequency attached by ClinVar (database versions not stated): 1000 Genomes Project 30x 0.00016; gnomAD exomes below 0.00001; gnomAD 0.00001.
gnomAD v4.1: 4 of 1,613,944 alleles (0.00025%); highest among the groups gnomAD compares: African/African-American, 0.0027%; no homozygotes.

Submissions (7):

Department of Medical Genetics, Ordu University Medical School Training and Research Hospital
Classification: Pathogenic for 21-Hydroxylase-Deficient Congenital Adrenal Hyperplasia. Last evaluated: 2026-07-18. Review status: criteria provided, single submitter. Criteria: ACMG Guidelines, 2015. Collection method: research. Allele origin: germline. Inheritance: Autosomal recessive inheritance. Affected: yes. Observed: 1 variant allele, 1 heterozygote.
Comment: This variant (NM_000500.9:c.710T>A, p.Ile237Asn) is part of the classic exon 6 cluster (I236N/V237E/M239K) that causes the salt-wasting form of 21-hydroxylase deficiency. ACMG/AMP criteria applied: PS3 (functional studies of the exon 6 cluster show essentially abolished enzyme activity), PM1 (located in the well-characterised exon 6 mutational cluster with no benign variation), PP4 (phenotype specific for CYP21A2 disease), and PP5 (reported Pathogenic in ClinVar). Combined evidence meets the ACMG 2015 criteria for a Pathogenic classification.

Genomic Medicine Center of Excellence, King Faisal Specialist Hospital and Research Centre
Classification: Likely pathogenic for 21-Hydroxylase-Deficient Congenital Adrenal Hyperplasia. Last evaluated: 2024-12-10. Review status: criteria provided, single submitter. Criteria: ACMG Guidelines, 2015. Collection method: clinical testing. Allele origin: germline.
Comment: PM1, PM2, PM5, PP3, PP5

Labcorp Genetics (formerly Invitae), Labcorp
Classification: Pathogenic. Last evaluated: 2022-10-31. Review status: criteria provided, single submitter. Criteria: Invitae Variant Classification Sherloc (09022015). Collection method: clinical testing. Allele origin: germline.
Comment: This sequence change replaces isoleucine with asparagine at codon 237 of the CYP21A2 protein (p.Ile237Asn). The frequency data for this variant in the population databases (gnomAD) is considered unreliable due to the presence of homologous sequence, such as pseudogenes or paralogs, in the genome. The c.710T>A (p.Ile237Asn) variant alone has not been reported in the literature in individuals with CYP21A2-related conditions. However, it has been reported to co-occur with the c.713T>A (p.Val238Glu) and c.719T>A (p.Met240Lys) variants in cis (on the same chromosome), which is known as the c.[710T>A;713T>A;719T>A] haplotype, E6 cluster, or CL6. This haplotype has been reported in the literature as homozygous or in combination with other CYP21A2 variants in individual(s) affected with classic salt-wasting, simple virilizing, and non-classic congenital adrenal hyperplasia due to 21-hydroxylase deficiency (PMID: 12915679, 1644925, 23359698, 26804566). ClinVar contains an entry for this variant (Variation ID: 242761). Advanced modeling of protein sequence and biophysical properties (such as structural, functional, and spatial information, amino acid conservation, physicochemical variation, residue mobility, and thermodynamic stability) performed at Invitae indicates that this missense variant is not expected to disrupt CYP21A2 protein function. The c.710T>A (p.Ile237Asn) variant alone affects CYP21A2 protein function, and the c.[710T>A;713T>A;719T>A] haplotype has been reported to abolish enzyme activity (PMID: 15623806). For these reasons, this variant on the c.[710T>A;713T>A;719T>A] haplotype has been classified as Pathogenic.

Women's Health and Genetics/Laboratory Corporation of America, LabCorp
Classification: Likely pathogenic for Congenital adrenal hyperplasia. Last evaluated: 2022-09-21. Review status: criteria provided, single submitter. Criteria: LabCorp Variant Classification Summary - May 2015. Collection method: clinical testing. Allele origin: germline.
Comment: Variant summary: CYP21A2 c.710T>A (p.Ile237Asn) results in a non-conservative amino acid change in the encoded protein sequence. Four of five in-silico tools predict a damaging effect of the variant on protein function. The variant allele was found at a frequency of 1.3e-05 in 150898 control chromosomes (gnomAD v3.1.2). p.I237N is found to be part of a recurrent cluster of 3 variants (I237N, V238E and M240K), which belongs to a group of common, pseudogene-derived mutations that are found in patients with classical CAH. This cluster of 3 variants is assumed to be transferred together from the CYP21A1P pseudogene to CYP21A2 in a continuous stretch of DNA (Robins_2005). To our knowledge, p.I237N has been reported in the literature as part of this cluster of 3 variants or in combination with only p.V238E in individuals affected with Congenital Adrenal Hyperplasia (e.g. Higashi_1991, Barbat_1995, Lee_2006, Chang_2011, Kirac_2014, Essawi_2020, Wang_2021). These reports do not provide unequivocal conclusions about association of the p.I237N variant alone with Congenital Adrenal Hyperplasia. Nevertheless, experimental evidence evaluating an impact on protein function demonstrated that the p.I237N variant alone causes a severely reduced enzyme activity (Robins_2005). A ClinVar submitter (evaluation after 2014) cites the variant as pathogenic. Based on the evidence outlined above, the variant was classified as likely pathogenic.

3billion
Classification: Pathogenic for 21-Hydroxylase-Deficient Congenital Adrenal Hyperplasia. Last evaluated: 2022-05-22. Review status: criteria provided, single submitter. Criteria: ACMG Guidelines, 2015. Collection method: clinical testing. Allele origin: germline. Affected: yes. Observed: 1 homozygote.
Comment: The variant is observed at an extremely low frequency in the gnomAD v2.1.1 dataset (total allele frequency: 0.003%). Functional studies provide strong evidence of the variant having a damaging effect on the gene or gene product (PMID: 1869518, 2249999, 28161392, 31333583). Same nucleotide change resulting in same amino acid change has been previously reported as pathogenic/likely pathogenic with strong evidence (PMID: 28161392). Therefore, this variant is classified as pathogenic according to the recommendation of ACMG/AMP guideline.

Quest Diagnostics Nichols Institute San Juan Capistrano
Classification: Likely pathogenic. Last evaluated: 2017-06-08. Review status: criteria provided, single submitter. Criteria: Quest Diagnostics criteria. Collection method: clinical testing. Allele origin: unknown.
Comment: The CYP21A2 c.710T>A (p.Ile237Asn) pathogenic variant (also known as I236N) is usually associated with the simple virilizing form of congenital adrenal hyperplasia. The variant has been found in at least one symptomatic individual. Functional evidence suggests that this variant may impact protein function. Based on the available information, this variant is classified as pathogenic.

Clinical Genetics and Genomics, Karolinska University Hospital
Classification: Pathogenic. Last evaluated: 2014-09-16. Review status: criteria provided, single submitter. Criteria: ACMG Guidelines, 2015. Collection method: clinical testing. Allele origin: germline. Affected: yes. Observed: 15 variant alleles.

Literature cited by the submitters: PubMed 12915679 (cited by Labcorp Genetics (formerly Invitae), Labcorp); PubMed 1644925 (cited by Labcorp Genetics (formerly Invitae), Labcorp); PubMed 23359698 (cited by Labcorp Genetics (formerly Invitae), Labcorp); PubMed 26804566 (cited by Labcorp Genetics (formerly Invitae), Labcorp); PubMed 15623806 (cited by 3 submitters); PubMed 7749410 (cited by Women's Health and Genetics/Laboratory Corporation of America, LabCorp); PubMed 2249999 (cited by Women's Health and Genetics/Laboratory Corporation of America, LabCorp and 3billion); PubMed 1869518 (cited by Women's Health and Genetics/Laboratory Corporation of America, LabCorp and 3billion); PubMed 16430727 (cited by Women's Health and Genetics/Laboratory Corporation of America, LabCorp and Quest Diagnostics Nichols Institute San Juan Capistrano); PubMed 32616876 (cited by Women's Health and Genetics/Laboratory Corporation of America, LabCorp); PubMed 33864926 (cited by Women's Health and Genetics/Laboratory Corporation of America, LabCorp); PubMed 21117955 (cited by Women's Health and Genetics/Laboratory Corporation of America, LabCorp); PubMed 32614782 (cited by Women's Health and Genetics/Laboratory Corporation of America, LabCorp); PubMed 25227725 (cited by Women's Health and Genetics/Laboratory Corporation of America, LabCorp); PubMed 34171085 (cited by Women's Health and Genetics/Laboratory Corporation of America, LabCorp); PubMed 28161392 (cited by 3billion); PubMed 31333583 (cited by 3billion); PubMed 30995443 (cited by Quest Diagnostics Nichols Institute San Juan Capistrano); PubMed 29450859 (cited by Quest Diagnostics Nichols Institute San Juan Capistrano); PubMed 30048636 (cited by Quest Diagnostics Nichols Institute San Juan Capistrano); PubMed 24503005 (cited by Quest Diagnostics Nichols Institute San Juan Capistrano).